The following is an entry in ClinVar:

NM_006389.5(HYOU1):c.2977C>T (p.Pro993Ser)

Gene: HYOU1 (hypoxia up-regulated 1; minus strand). Cytogenetic location: 11q23.3.
Variant type: single nucleotide variant.
Coding change: c.2977C>T on transcript NM_006389.5 (MANE Select); coding-DNA position 2977, C replaced by T.
Protein change: p.Pro993Ser; replaces proline 993 with serine.
Molecular consequence: missense variant.
Genome position (GRCh38, 1-based): chr11:119,045,616, G>A on the plus strand (C>T on the coding strand, the complement: HYOU1 is on the minus strand). VCF-style: chr11-119045616-G-A.
Other names: c.2977C>T, p.Pro993Ser (NM_001130991.3); c.2980C>T, p.Pro994Ser (NM_001411041.1); short protein forms P994S, P993S.
Identifiers: ClinVar variation 3725391 (VCV003725391.2).

ClinVar aggregate classification (germline): Uncertain significance (1 of 4 stars; one submission).

gnomAD v4.1: 1 of 1,614,208 alleles (0.000062%); highest among the groups gnomAD compares: South Asian, 0.0011%; no homozygotes.

Submission:

Labcorp Genetics (formerly Invitae), Labcorp
Classification: Uncertain significance. Last evaluated: 2024-11-22. Review status: criteria provided, single submitter. Criteria: Invitae Variant Classification Sherloc (09022015). Collection method: clinical testing. Allele origin: germline.
Comment: This sequence change replaces proline, which is neutral and non-polar, with serine, which is neutral and polar, at codon 993 of the HYOU1 protein (p.Pro993Ser). This variant is present in population databases (rs781817732, gnomAD 0.003%). This variant has not been reported in the literature in individuals affected with HYOU1-related conditions. An algorithm developed to predict the effect of missense changes on protein structure and function (PolyPhen-2) suggests that this variant is likely to be tolerated. In summary, the available evidence is currently insufficient to determine the role of this variant in disease. Therefore, it has been classified as a Variant of Uncertain Significance.